The following is an entry in ClinVar:

ClinVar aggregate classification (germline): Uncertain significance. Review status: criteria provided, multiple submitters, no conflicts (2 of 4 stars). 2 submissions from 2 submitters: Uncertain significance (2). Last evaluated 2025-07-13.

Conditions:
Hereditary cancer-predisposing syndrome. Also called: Hereditary Cancer Syndrome; Neoplastic Syndromes, Hereditary; Tumor predisposition; Hereditary neoplastic syndrome. Identifiers: Orphanet 140162, MedGen C0027672, MeSH D009386, MONDO:0015356.
Hereditary diffuse gastric adenocarcinoma (HDGC). Also called: DIFFUSE GASTRIC AND LOBULAR BREAST CANCER SYNDROME. Identifiers: Orphanet 26106, MedGen C1708349, MONDO:0007648, OMIM 137215.

gnomAD v4.1: 2 of 1,614,040 alleles (0.00012%); highest among the groups gnomAD compares: East Asian, 0.0045%; no homozygotes.

Submissions (2):

Labcorp Genetics (formerly Invitae), Labcorp
Classification: Uncertain significance for Hereditary diffuse gastric adenocarcinoma. Last evaluated: 2025-07-13. Review status: criteria provided, single submitter. Criteria: Invitae Variant Classification Sherloc (09022015). Collection method: clinical testing. Allele origin: germline.
Comment: This sequence change replaces histidine, which is basic and polar, with glutamine, which is neutral and polar, at codon 121 of the CDH1 protein (p.His121Gln). This variant is not present in population databases (gnomAD no frequency). This variant has not been reported in the literature in individuals affected with CDH1-related conditions. ClinVar contains an entry for this variant (Variation ID: 631068). An algorithm developed to predict the effect of missense changes on protein structure and function outputs the following: PolyPhen-2: "Benign". The glutamine amino acid residue is found in multiple mammalian species, which suggests that this missense change does not adversely affect protein function. In summary, the available evidence is currently insufficient to determine the role of this variant in disease. Therefore, it has been classified as a Variant of Uncertain Significance.

Color Diagnostics, LLC DBA Color Health
Classification: Uncertain significance for Hereditary cancer-predisposing syndrome. Last evaluated: 2018-12-31. Review status: criteria provided, single submitter. Criteria: ACMG Guidelines, 2015. Collection method: clinical testing. Allele origin: germline.

NM_004360.5(CDH1):c.363C>G (p.His121Gln)

Gene: CDH1 (cadherin 1; plus strand). Cytogenetic location: 16q22.1.
Variant type: single nucleotide variant.
Coding change: c.363C>G on transcript NM_004360.5 (MANE Select); coding-DNA position 363, C replaced by G.
Protein change: p.His121Gln; replaces histidine 121 with glutamine.
Molecular consequence: missense variant. On other transcripts: 5 prime UTR variant (2).
Genome position (GRCh38, 1-based): chr16:68,801,869, C>G. VCF-style: chr16-68801869-C-G. GRCh37 (hg19) VCF-style: chr16-68835772-C-G.
Other names: c.363C>G, p.His121Gln (NM_001317184.2); c.-1253C>G (NM_001317185.2); c.-1457C>G (NM_001317186.2); short protein forms H121Q.
Identifiers: ClinVar variation 631068 (VCV000631068.11), dbSNP rs781427897, ClinGen allele CA396457466.
Genomic context (GRCh38, chr16:68,801,869, plus strand): 5'-CGCCTGGGACTCCACCTACAGAAAGTTTTCCACCAAAGTCACGCTGAATACAGTGGGGCA[C>G]CACCACCGCCCCCCGCCCCATCAGGTATGTTGGCATTTTTCTGAGAAGTTCGCTGTTGTT-3'
Protein context (NP_004351.1, residues 111-131): STKVTLNTVG[His121Gln]HHRPPPHQAS